The following is an entry in ClinVar:

ClinVar aggregate classification (germline): Likely pathogenic (1 of 4 stars; one submission).

Conditions:
Cardiovascular phenotype. Identifiers: MedGen CN230736.

Submission:

Ambry Genetics
Classification: Likely pathogenic for Cardiovascular phenotype. Last evaluated: 2025-10-30. Review status: criteria provided, single submitter. Criteria: Ambry Variant Classification Scheme 2023. Collection method: clinical testing. Allele origin: germline.
Comment: The c.36227_36228delAT variant, located in coding exon 132 of the TTN gene, results from a deletion of two nucleotides at nucleotide positions 36227 to 36228, causing a translational frameshift with a predicted alternate stop codon (p.Y12076*). This exon is located in the A-band region of the N2-B isoform of the titin protein and is constitutively expressed in TTN transcripts (percent spliced in or PSI 100%). This variant is expected to result in loss of function by premature protein truncation or nonsense-mediated mRNA decay. While truncating variants in TTN are present in 1-3% of the general population, truncating variants in the A-band are the most common cause of dilated cardiomyopathy (Herman DS et al. N. Engl. J. Med., 2012 Feb;366:619-28; Roberts AM et al. Sci Transl Med, 2015 Jan;7:270ra6). TTN truncating variants encoded in constitutive exons (PSI >90%) have been found to be significantly associated with DCM regardless of their position in titin (Schafer S et al. Nat. Genet., 2017 01;49:46-53; Akhtar MM et al. Circ Heart Fail, 2020 Oct;13:e006832; Massier M et al. Clin Genet, 2025 Jan). This variant is considered to be rare based on population cohorts in the Genome Aggregation Database (gnomAD). Based on the majority of available evidence to date, this variant is likely to be pathogenic.

NM_001267550.2(TTN):c.63422_63423del (p.Glu21140_Tyr21141insTer)

Genes: TTN (titin; minus strand), TTN-AS1 (TTN antisense RNA 1; plus strand). Cytogenetic location: 2q31.2.
Variant type: Microsatellite.
Coding change: c.63422_63423del on transcript NM_001267550.2 (MANE Select); coding-DNA positions 63422 to 63423, 2 bases deleted (AT; older notation c.63422_63423delAT).
Protein change: p.Glu21140_Tyr21141insTer.
Molecular consequence: nonsense.
Genome position (GRCh38, 1-based): chr2:178,587,984-178,587,985, AT deleted on the plus strand (AT on the coding strand, the reverse complement: TTN is on the minus strand); deleting any 2 consecutive bases within chr2:178,587,984-178,587,987 gives the same sequence; the c. name uses the placement nearest the transcript's 3' end. VCF-style (leftmost placement, unchanged base first): chr2-178587983-CAT-C. GRCh37 (hg19) VCF-style: chr2-179452710-CAT-C.
Other names: c.36227_36228delAT (NM_003319.4); c.58499_58500del, p.Glu19499_Tyr19500insTer (NM_001256850.1); c.36227_36228del, p.Glu12075_Tyr12076insTer (NM_003319.4); c.55718_55719del, p.Glu18572_Tyr18573insTer (NM_133378.4); c.36602_36603del, p.Glu12200_Tyr12201insTer (NM_133432.3); c.36803_36804del, p.Glu12267_Tyr12268insTer (NM_133437.4).
Identifiers: ClinVar variation 4615351 (VCV004615351.1).